The following is an entry in ClinVar:

ClinVar aggregate classification (germline): Pathogenic. Review status: criteria provided, multiple submitters, no conflicts (2 of 4 stars). 2 submissions from 2 submitters: Pathogenic (2). Last evaluated 2023-05-03.

Conditions:
Hypertrophic cardiomyopathy. Also called: HYPERTROPHIC MYOCARDIOPATHY. Identifiers: Orphanet 217569, MedGen C0007194, MeSH D002312, MONDO:0005045, HP:0001639.
Cardiovascular phenotype. Identifiers: MedGen CN230736.

Submissions (2):

Ambry Genetics
Classification: Pathogenic for Cardiovascular phenotype. Last evaluated: 2023-05-03. Review status: criteria provided, single submitter. Criteria: Ambry Variant Classification Scheme 2023. Collection method: clinical testing. Allele origin: germline.
Comment: The p.L1258* pathogenic mutation (also known as c.3773T>A), located in coding exon 33 of the MYBPC3 gene, results from a T to A substitution at nucleotide position 3773. This changes the amino acid from a leucine to a stop codon within coding exon 33. This variant is considered to be rare based on population cohorts in the Genome Aggregation Database (gnomAD). This alteration is expected to result in loss of function by premature protein truncation or nonsense-mediated mRNA decay. As such, this alteration is interpreted as a disease-causing mutation.

Labcorp Genetics (formerly Invitae), Labcorp
Classification: Pathogenic for Hypertrophic cardiomyopathy. Last evaluated: 2023-04-05. Review status: criteria provided, single submitter. Criteria: Invitae Variant Classification Sherloc (09022015). Collection method: clinical testing. Allele origin: germline.
Comment: For these reasons, this variant has been classified as Pathogenic. ClinVar contains an entry for this variant (Variation ID: 1452999). This sequence change creates a premature translational stop signal (p.Leu1258*) in the MYBPC3 gene. It is expected to result in an absent or disrupted protein product. Loss-of-function variants in MYBPC3 are known to be pathogenic (PMID: 19574547). This variant is not present in population databases (gnomAD no frequency). This variant has not been reported in the literature in individuals affected with MYBPC3-related conditions.

Literature cited by the submitters: PubMed 19574547 (cited by Labcorp Genetics (formerly Invitae), Labcorp).

NM_000256.3(MYBPC3):c.3773T>A (p.Leu1258Ter)

Gene: MYBPC3 (myosin binding protein C3; minus strand). Cytogenetic location: 11p11.2.
Variant type: single nucleotide variant.
Coding change: c.3773T>A on transcript NM_000256.3 (MANE Select); coding-DNA position 3773, T replaced by A.
Protein change: p.Leu1258Ter; replaces leucine 1258 with a stop codon.
Molecular consequence: nonsense.
Genome position (GRCh38, 1-based): chr11:47,332,113, A>T on the plus strand (T>A on the coding strand, the complement: MYBPC3 is on the minus strand). VCF-style: chr11-47332113-A-T. GRCh37 (hg19) VCF-style: chr11-47353664-A-T.
Other names: short protein forms L1258*.
Identifiers: ClinVar variation 1452999 (VCV001452999.7), dbSNP rs730880604, ClinGen allele CA380310661.
Genomic context (GRCh38, chr11:47,332,113, plus strand): 5'-GGCCCCGAGGGCTCCTCACCTCGCACCTCCAGGCGGCACTCACACCGTGCCTCGCCCTGT[A>T]AGTTGGTGGCCCTGCAGACATAGATGCCCCCGTCAAAGGGGCAGGGCTTTCTAATCTCCA-3'